The following is an entry in ClinVar:

ClinVar aggregate classification (germline): Uncertain significance (1 of 4 stars; one submission).

Conditions:
Alagille syndrome due to a JAG1 point mutation. Also called: HEPATIC DUCTULAR HYPOPLASIA, SYNDROMATIC; Alagille Syndrome 1; JAG1-Related Alagille Syndrome. Identifiers: Orphanet 261619, Orphanet 52, MedGen C1956125, MONDO:0016862, OMIM 118450.

Allele frequency attached by ClinVar (database versions not stated): gnomAD exomes below 0.00001; gnomAD 0.00001.

Submission:

Labcorp Genetics (formerly Invitae), Labcorp
Classification: Uncertain significance for Alagille syndrome due to a JAG1 point mutation. Last evaluated: 2023-08-04. Review status: criteria provided, single submitter. Criteria: Invitae Variant Classification Sherloc (09022015). Collection method: clinical testing. Allele origin: germline.
Comment: In summary, the available evidence is currently insufficient to determine the role of this variant in disease. Therefore, it has been classified as a Variant of Uncertain Significance. An algorithm developed to predict the effect of missense changes on protein structure and function (PolyPhen-2) suggests that this variant is likely to be disruptive. ClinVar contains an entry for this variant (Variation ID: 1514034). This variant has not been reported in the literature in individuals affected with JAG1-related conditions. This variant is present in population databases (no rsID available, gnomAD 0.003%). This sequence change replaces isoleucine, which is neutral and non-polar, with lysine, which is basic and polar, at codon 449 of the JAG1 protein (p.Ile449Lys).

NM_000214.3(JAG1):c.1346T>A (p.Ile449Lys)

Gene: JAG1 (jagged canonical Notch ligand 1; minus strand). Cytogenetic location: 20p12.2.
Variant type: single nucleotide variant.
Coding change: c.1346T>A on transcript NM_000214.3 (MANE Select); coding-DNA position 1346, T replaced by A.
Protein change: p.Ile449Lys; replaces isoleucine 449 with lysine.
Molecular consequence: missense variant.
Genome position (GRCh38, 1-based): chr20:10,649,524, A>T on the plus strand (T>A on the coding strand, the complement: JAG1 is on the minus strand). VCF-style: chr20-10649524-A-T. GRCh37 (hg19) VCF-style: chr20-10630172-A-T.
Other names: short protein forms I449K.
Identifiers: ClinVar variation 1514034 (VCV001514034.8), dbSNP rs1465136716, ClinGen allele CA408238085.
Genomic context (GRCh38, chr20:10,649,524, plus strand): 5'-ACCAGCAAGTCGGCTACCCAAGTTTCATGAAAATCAAAATGGAAACAAAGTCACTCACTT[A>T]TGTCACAATTCTGACCCATCCAGCCGGGAAGACAGTCGCAGTAGTAGCTGGCAATGAGAT-3'
Protein context (NP_000205.1, residues 439-459): LPGWMGQNCD[Ile449Lys]NINDCLGQCQ